The following is an entry in ClinVar:

NM_000553.6(WRN):c.513C>T (p.Cys171=)

Gene: WRN (WRN RecQ like helicase; plus strand). Cytogenetic location: 8p12.
Variant type: single nucleotide variant.
Coding change: c.513C>T on transcript NM_000553.6 (MANE Select); coding-DNA position 513, C replaced by T.
Protein change: p.Cys171=; no amino-acid change (cysteine 171 retained).
Molecular consequence: synonymous variant.
Genome position (GRCh38, 1-based): chr8:31,067,041, C>T. VCF-style: chr8-31067041-C-T. GRCh37 (hg19) VCF-style: chr8-30924557-C-T.
Other names: p.Cys171=.
Identifiers: ClinVar variation 130763 (VCV000130763.29), dbSNP rs1800389, ClinGen allele CA156032.

ClinVar aggregate classification (germline): Benign. Review status: criteria provided, multiple submitters, no conflicts (2 of 4 stars). 13 submissions from 12 submitters: Benign (11). 2 of the submissions do not count toward it. Last evaluated 2026-02-04.

Conditions:
Wiskott-Aldrich syndrome (WAS). Also called: Wiskott-aldrich syndrome, somatic; WISKOTT-ALDRICH SYNDROME 1; ALDRICH SYNDROME; IMMUNODEFICIENCY 2. Identifiers: Orphanet 906, MedGen C0043194, MONDO:0010518, OMIM 301000.
Werner syndrome (WRN). Identifiers: Orphanet 902, MedGen C0043119, MONDO:0010196, OMIM 277700.

Allele frequency attached by ClinVar (database versions not stated): ExAC 0.70318; gnomAD exomes 0.71255 and 0.71282; ESP Exome Variant Server 0.65370; gnomAD 0.66802 and 0.67203; TOPMed 0.66996; 1000 Genomes Project 30x 0.68239; 1000 Genomes Project 0.68730.
gnomAD v4.1: 1,142,661 of 1,612,846 alleles (71%); highest among the groups gnomAD compares: East Asian, 87%; 407,280 homozygotes.

Submissions (13):

Labcorp Genetics (formerly Invitae), Labcorp
Classification: Benign for Werner syndrome. Last evaluated: 2026-02-04. Review status: criteria provided, single submitter. Criteria: Invitae Variant Classification Sherloc (09022015). Collection method: clinical testing. Allele origin: germline.

KCCC/NGS Laboratory, Kuwait Cancer Control Center
Classification: Benign for Werner syndrome. Last evaluated: 2025-02-01. Review status: criteria provided, single submitter. Criteria: ACMG Guidelines, 2015. Collection method: clinical testing. Allele origin: germline. Affected: no.

Blueprint Genetics
Classification: Benign. Last evaluated: 2024-11-27. Review status: criteria provided, single submitter. Criteria: ACMG Guidelines, 2015. Collection method: clinical testing. Allele origin: germline.

KCCC/NGS Laboratory, Kuwait Cancer Control Center
Classification: Benign for Wiskott-Aldrich syndrome. Last evaluated: 2023-07-07. Review status: criteria provided, single submitter. Criteria: ACMG Guidelines, 2015. Collection method: clinical testing. Allele origin: germline. Affected: yes.

Mayo Clinic Laboratories, Mayo Clinic
Classification: Benign. Last evaluated: 2022-05-01. Review status: criteria provided, single submitter. Criteria: ACMG Guidelines, 2015. Collection method: clinical testing. Allele origin: germline. Observed: 353 variant alleles.

Genome-Nilou Lab
Classification: Benign for Werner syndrome. Last evaluated: 2021-12-05. Review status: criteria provided, single submitter. Criteria: ACMG Guidelines, 2015. Collection method: clinical testing. Allele origin: germline. Affected: no.

GeneDx
Classification: Benign. Last evaluated: 2018-03-24. Review status: criteria provided, single submitter. Criteria: GeneDx Variant Classification (06012015). Collection method: clinical testing. Allele origin: germline. Affected: yes.
Comment: This variant is considered likely benign or benign based on one or more of the following criteria: it is a conservative change, it occurs at a poorly conserved position in the protein, it is predicted to be benign by multiple in silico algorithms, and/or has population frequency not consistent with disease.

Illumina Laboratory Services, Illumina
Classification: Benign for Werner syndrome. Last evaluated: 2018-01-12. Review status: criteria provided, single submitter. Criteria: ICSL Variant Classification Criteria 13 December 2019. Collection method: clinical testing. Allele origin: germline.
Comment: This variant was observed in the ICSL laboratory as part of a predisposition screen in an ostensibly healthy population. It had not been previously curated by ICSL or reported in the Human Gene Mutation Database (HGMD: prior to June 1st, 2018), and was therefore a candidate for classification through an automated scoring system. Utilizing variant allele frequency, disease prevalence and penetrance estimates, and inheritance mode, an automated score was calculated to assess if this variant is too frequent to cause the disease. Based on the score and internal cut-off values, a variant classified as benign is not then subjected to further curation. The score for this variant resulted in a classification of benign for this disease.

Genetic Services Laboratory, University of Chicago
Classification: Benign for AllHighlyPenetrant. Last evaluated: 2014-02-21. Review status: criteria provided, single submitter. Criteria: ACMG Guidelines, 2007. Collection method: clinical testing. Allele origin: germline. Inheritance: Autosomal recessive inheritance.

Breakthrough Genomics
Classification: Benign. Review status: criteria provided, single submitter. Criteria: ACMG Guidelines, 2015. Collection method: not provided. Allele origin: germline. Inheritance: Autosomal recessive inheritance. Affected: yes.

PreventionGenetics, part of Exact Sciences
Classification: Benign. Review status: criteria provided, single submitter. Criteria: ACMG Guidelines, 2015. Collection method: clinical testing. Allele origin: germline.

Diagnostic Laboratory, Department of Genetics, University Medical Center Groningen
Classification: Benign. Review status: no assertion criteria provided. Collection method: clinical testing. Allele origin: germline. Affected: yes. Study: VKGL Data-share Consensus. Not counted in ClinVar's aggregate classification.

Joint Genome Diagnostic Labs from Nijmegen and Maastricht, Radboudumc and MUMC+
Classification: Benign. Review status: no assertion criteria provided. Collection method: clinical testing. Allele origin: germline. Affected: yes. Study: VKGL Data-share Consensus. Not counted in ClinVar's aggregate classification.